The following is an entry in ClinVar:

NM_172107.4(KCNQ2):c.1159C>G (p.Pro387Ala)

Gene: KCNQ2 (potassium voltage-gated channel subfamily Q member 2; minus strand). Cytogenetic location: 20q13.33.
Variant type: single nucleotide variant.
Coding change: c.1159C>G on transcript NM_172107.4 (MANE Select); coding-DNA position 1159, C replaced by G.
Protein change: p.Pro387Ala; replaces proline 387 with alanine.
Molecular consequence: missense variant.
Genome position (GRCh38, 1-based): chr20:63,428,425, G>C on the plus strand (C>G on the coding strand, the complement: KCNQ2 is on the minus strand). VCF-style: chr20-63428425-G-C. GRCh37 (hg19) VCF-style: chr20-62059778-G-C.
Other names: c.1159C>G, p.Pro387Ala (NM_001382235.1, NM_172106.3, NM_172108.5); c.1129C>G, p.Pro377Ala (NM_004518.6); short protein forms P377A, P387A.
Identifiers: ClinVar variation 1695584 (VCV001695584.2), dbSNP rs747158839, ClinGen allele CA409650055.

ClinVar aggregate classification (germline): Uncertain significance (1 of 4 stars; one submission).

gnomAD v4.1: 2 of 1,589,870 alleles (0.00013%); highest among the groups gnomAD compares: Non-Finnish European, 0.00017%; no homozygotes.

Submission:

GeneDx
Classification: Uncertain significance. Last evaluated: 2022-01-05. Review status: criteria provided, single submitter. Criteria: GeneDx Variant Classification Process June 2021. Collection method: clinical testing. Allele origin: germline. Affected: yes.
Comment: Not observed at significant frequency in large population cohorts (gnomAD); In silico analysis supports that this missense variant has a deleterious effect on protein structure/function; Missense variants in this gene are often considered pathogenic (HGMD); This substitution is predicted to be within the C-terminal cytoplasmic domain.; Has not been previously published as pathogenic or benign to our knowledge